The following continues an entry in ClinVar:

NM_198253.3(TERT):c.3268G>A (p.Val1090Met)

Gene: TERT. ClinVar aggregate classification (germline): Uncertain significance. Uncertain significance (10).

Submissions 10 to 13 of 13:

Mendelics
Classification: Uncertain significance for Interstitial lung disease 2. Last evaluated: 2019-05-28. Review status: criteria provided, single submitter. Criteria: Mendelics Assertion Criteria 2017. Collection method: clinical testing. Allele origin: unknown.

PreventionGenetics, part of Exact Sciences
Classification: Uncertain significance for TERT-related condition. Last evaluated: 2024-06-04. Review status: no assertion criteria provided. Collection method: clinical testing. Allele origin: germline. Not counted in ClinVar's aggregate classification.
Comment: The TERT c.3268G>A variant is predicted to result in the amino acid substitution p.Val1090Met. This variant was reported in patients with aplastic anaemia (Yamaguchi et al. 2005. PubMed ID: 15814878) and hepatocellular carcinoma (Donaires et al. 2017. PubMed ID: 28813500). It has also been shown to reduce telomerase activity (Hoffman et al. 2017. PubMed ID: 28154186; Donaires et al. 2017. PubMed ID: 28813500; Table 3. Calado et al. 2009. PubMed ID: 19561322). This variant is reported in 0.025% of alleles in individuals of African descent in gnomAD. At this time the clinical significance of this variant is uncertain due to lack of sufficient genetic and functional evidence.

OMIM
Classification: Pathogenic for PULMONARY FIBROSIS AND/OR BONE MARROW FAILURE SYNDROME, TELOMERE-RELATED, 1. Last evaluated: 2005-04-07. Review status: no assertion criteria provided. Collection method: literature only. Allele origin: germline. Not counted in ClinVar's aggregate classification.

GeneReviews
No classification provided. Condition: Aplastic anemia. Review status: no classification provided. Collection method: literature only. Allele origin: unknown. Not counted in ClinVar's aggregate classification.

Literature cited by the submitters: PubMed 15814878 (cited by 4 submitters); PubMed 19561322 (cited by Dasa and Labcorp Genetics (formerly Invitae), Labcorp); PubMed 23901009 (cited by 3 submitters); PubMed 26365799 (cited by Dasa and Labcorp Genetics (formerly Invitae), Labcorp); PubMed 28154186 (cited by 3 submitters); PubMed 28813500 (cited by Dasa and Labcorp Genetics (formerly Invitae), Labcorp); PubMed 34019641 (cited by 3 submitters); PubMed 20301779 (cited by GeneReviews); NCBI Bookshelf NBK22301 (cited by GeneReviews).